The following is an entry in ClinVar:

ClinVar aggregate classification (germline): Uncertain significance (1 of 4 stars; one submission).

Conditions:
Jeune thoracic dystrophy. Also called: Jeune syndrome; Infantile thoracic dystrophy; Thoracic pelvic phalangeal dystrophy; Jeune's syndrome; Chondroectodermal dysplasia-like syndrome; Short-rib thoracic dysplasia. Identifiers: Orphanet 474, MedGen C0265275, MONDO:0018770.

Allele frequency attached by ClinVar (database versions not stated): TOPMed 0.00001.

Submission:

Labcorp Genetics (formerly Invitae), Labcorp
Classification: Uncertain significance for Jeune thoracic dystrophy. Last evaluated: 2021-08-30. Review status: criteria provided, single submitter. Criteria: Invitae Variant Classification Sherloc (09022015). Collection method: clinical testing. Allele origin: germline.
Comment: This sequence change replaces threonine with isoleucine at codon 725 of the IFT80 protein (p.Thr725Ile). The threonine residue is weakly conserved and there is a moderate physicochemical difference between threonine and isoleucine. This variant is not present in population databases (ExAC no frequency). This variant has not been reported in the literature in individuals affected with IFT80-related conditions. Algorithms developed to predict the effect of missense changes on protein structure and function (SIFT, PolyPhen-2, Align-GVGD) all suggest that this variant is likely to be tolerated. In summary, the available evidence is currently insufficient to determine the role of this variant in disease. Therefore, it has been classified as a Variant of Uncertain Significance.

NM_020800.3(IFT80):c.2174C>T (p.Thr725Ile)

Genes: IFT80 (intraflagellar transport 80; minus strand), TRIM59-IFT80 (TRIM59-IFT80 readthrough (NMD candidate); minus strand). Cytogenetic location: 3q25.33.
Variant type: single nucleotide variant.
Coding change: c.2174C>T on transcript NM_020800.3 (MANE Select); coding-DNA position 2174, C replaced by T.
Protein change: p.Thr725Ile; replaces threonine 725 with isoleucine.
Molecular consequence: missense variant. On other transcripts: non-coding transcript variant (3).
Genome position (GRCh38, 1-based): chr3:160,268,462, G>A on the plus strand (C>T on the coding strand, the complement: IFT80 is on the minus strand). VCF-style: chr3-160268462-G-A. GRCh37 (hg19) VCF-style: chr3-159986250-G-A.
Other names: c.1763C>T, p.Thr588Ile (NM_001190241.2, NM_001190242.2); short protein forms T588I, T725I.
Identifiers: ClinVar variation 1023863 (VCV001023863.6), dbSNP rs997566753, ClinGen allele CA87070729.